The following is an entry in ClinVar:

ClinVar aggregate classification (germline): Pathogenic. Review status: criteria provided, multiple submitters, no conflicts (2 of 4 stars). 3 submissions from 3 submitters: Pathogenic (3). Last evaluated 2025-06-29.

Conditions:
Hereditary cancer-predisposing syndrome. Also called: Neoplastic Syndromes, Hereditary; Tumor predisposition; Hereditary Cancer Syndrome; Hereditary neoplastic syndrome. Identifiers: Orphanet 140162, MedGen C0027672, MeSH D009386, MONDO:0015356.
Hereditary breast ovarian cancer syndrome. Also called: Hereditary breast and ovarian cancer; Breast and ovarian cancer; Hereditary breast and/or ovarian cancer syndrome; Hereditary breast and ovarian cancer syndrome (HBOC); BRCA1- and BRCA2-Associated Hereditary Breast and Ovarian Cancer; Hereditary breast and ovarian cancer syndrome. Identifiers: Orphanet 145, MedGen C0677776, MeSH D061325, MONDO:0003582. Disease mechanism: loss of function.
Familial cancer of breast. Also called: BREAST CANCER, FAMILIAL; Hereditary breast cancer; hereditary breast carcinoma. Identifiers: Orphanet 227535, MedGen C0346153, MONDO:0016419, OMIM 114480. Disease mechanism: loss of function.

Submissions (3):

Labcorp Genetics (formerly Invitae), Labcorp
Classification: Pathogenic for Hereditary breast ovarian cancer syndrome. Last evaluated: 2025-06-29. Review status: criteria provided, single submitter. Criteria: Invitae Variant Classification Sherloc (09022015). Collection method: clinical testing. Allele origin: germline.
Comment: This sequence change creates a premature translational stop signal (p.Thr587*) in the BRCA2 gene. It is expected to result in an absent or disrupted protein product. Loss-of-function variants in BRCA2 are known to be pathogenic (PMID: 20104584). This variant is not present in population databases (gnomAD no frequency). This premature translational stop signal has been observed in individual(s) with breast cancer (PMID: 28294317). ClinVar contains an entry for this variant (Variation ID: 1779521). Algorithms developed to predict the effect of sequence changes on RNA splicing suggest that this variant may disrupt the consensus splice site. For these reasons, this variant has been classified as Pathogenic.

Baylor Genetics
Classification: Pathogenic for Familial cancer of breast. Last evaluated: 2024-03-11. Review status: criteria provided, single submitter. Criteria: ACMG Guidelines, 2015. Collection method: clinical testing. Allele origin: unknown.

Ambry Genetics
Classification: Pathogenic for Hereditary cancer-predisposing syndrome. Last evaluated: 2021-11-16. Review status: criteria provided, single submitter. Criteria: Ambry Variant Classification Scheme 2023. Collection method: clinical testing. Allele origin: germline.
Comment: The c.1759_1763delACAAA pathogenic mutation, located in coding exon 9 of the BRCA2 gene, results from a deletion of 5 nucleotides at nucleotide positions 1759 to 1763, causing a translational frameshift with a predicted alternate stop codon (p.T587*). This alteration was observed in an individual undergoing BRCA1/2 genetic testing based on a personal history of early-onset breast cancer (Lang GT et al. Int J Cancer, 2017 07;141:129-142). This variant is considered to be rare based on population cohorts in the Genome Aggregation Database (gnomAD). In addition to the clinical data presented in the literature, this alteration is expected to result in loss of function by premature protein truncation or nonsense-mediated mRNA decay. As such, this alteration is interpreted as a disease-causing mutation.

Literature cited by the submitters: PubMed 20104584 (cited by Labcorp Genetics (formerly Invitae), Labcorp); PubMed 28294317 (cited by Labcorp Genetics (formerly Invitae), Labcorp and Ambry Genetics).

NM_000059.4(BRCA2):c.1759_1763del (p.Lys586_Thr587insTer)

Gene: BRCA2 (BRCA2 DNA repair associated; plus strand). Cytogenetic location: 13q13.1.
Variant type: Deletion.
Coding change: c.1759_1763del on transcript NM_000059.4 (MANE Select); coding-DNA positions 1759 to 1763, 5 bases deleted (ACAAA; older notation c.1759_1763delACAAA).
Protein change: p.Lys586_Thr587insTer.
Molecular consequence: nonsense.
Genome position (GRCh38, 1-based): chr13:32,333,237-32,333,241, ACAAA deleted; deleting any 5 consecutive bases within chr13:32,333,234-32,333,241 gives the same sequence; the c. name uses the placement nearest the transcript's 3' end. VCF-style (leftmost placement, unchanged base first): chr13-32333233-GAAAAC-G. GRCh37 (hg19) VCF-style: chr13-32907370-GAAAAC-G.
Identifiers: ClinVar variation 1779521 (VCV001779521.8), dbSNP rs1566224246, ClinGen allele CA919242454.